The following is an entry in ClinVar:

ClinVar aggregate classification (germline): Benign. Review status: criteria provided, multiple submitters, no conflicts (2 of 4 stars). 7 submissions from 7 submitters: Benign (7). Last evaluated 2026-02-04.

Conditions:
Hypouricemia, renal, 2. Also called: HYPOURICEMIA, RENAL, 2, AUTOSOMAL DOMINANT; HYPOURICEMIA, RENAL, 2, AUTOSOMAL RECESSIVE. Identifiers: MedGen C2677549, MONDO:0012793, OMIM 612076.

Allele frequency attached by ClinVar (database versions not stated): TOPMed 0.71543; ESP Exome Variant Server 0.72920; 1000 Genomes Project 30x 0.74438; 1000 Genomes Project 0.75240.
gnomAD v4.1: 1,262,566 of 1,613,922 alleles (78%); highest among the groups gnomAD compares: East Asian, 99%; 497,654 homozygotes.

Submissions (7):

Labcorp Genetics (formerly Invitae), Labcorp
Classification: Benign. Last evaluated: 2026-02-04. Review status: criteria provided, single submitter. Criteria: Invitae Variant Classification Sherloc (09022015). Collection method: clinical testing. Allele origin: germline.

Blueprint Genetics
Classification: Benign. Last evaluated: 2024-11-26. Review status: criteria provided, single submitter. Criteria: ACMG Guidelines, 2015. Collection method: clinical testing. Allele origin: germline.

Mayo Clinic Laboratories, Mayo Clinic
Classification: Benign. Last evaluated: 2022-03-09. Review status: criteria provided, single submitter. Criteria: ACMG Guidelines, 2015. Collection method: clinical testing. Allele origin: germline. Observed: 163 variant alleles.

Genome-Nilou Lab
Classification: Benign for Hypouricemia, renal, 2. Last evaluated: 2021-07-15. Review status: criteria provided, single submitter. Criteria: ACMG Guidelines, 2015. Collection method: clinical testing. Allele origin: germline. Affected: no.

GeneDx
Classification: Benign. Last evaluated: 2018-11-12. Review status: criteria provided, single submitter. Criteria: GeneDx Variant Classification Process June 2021. Collection method: clinical testing. Allele origin: germline. Affected: yes.

Illumina Laboratory Services, Illumina
Classification: Benign for Hypouricemia, renal, 2. Last evaluated: 2018-01-13. Review status: criteria provided, single submitter. Criteria: ICSL Variant Classification Criteria 13 December 2019. Collection method: clinical testing. Allele origin: germline.
Comment: This variant was observed in the ICSL laboratory as part of a predisposition screen in an ostensibly healthy population. It had not been previously curated by ICSL or reported in the Human Gene Mutation Database (HGMD: prior to June 1st, 2018), and was therefore a candidate for classification through an automated scoring system. Utilizing variant allele frequency, disease prevalence and penetrance estimates, and inheritance mode, an automated score was calculated to assess if this variant is too frequent to cause the disease. Based on the score and internal cut-off values, a variant classified as benign is not then subjected to further curation. The score for this variant resulted in a classification of benign for this disease.

Breakthrough Genomics
Classification: Benign. Review status: criteria provided, single submitter. Criteria: ACMG Guidelines, 2015. Collection method: not provided. Allele origin: germline. Inheritance: Autosomal dominant inheritance. Affected: yes.

NM_020041.3(SLC2A9):c.567T>C (p.Leu189=)

Gene: SLC2A9 (solute carrier family 2 member 9; minus strand). Cytogenetic location: 4p16.1.
Variant type: single nucleotide variant.
Coding change: c.567T>C on transcript NM_020041.3 (MANE Select); coding-DNA position 567, T replaced by C.
Protein change: p.Leu189=; no amino-acid change (leucine 189 retained).
Molecular consequence: synonymous variant.
Genome position (GRCh38, 1-based): chr4:9,980,706, A>G on the plus strand (T>C on the coding strand, the complement: SLC2A9 is on the minus strand). VCF-style: chr4-9980706-A-G. GRCh37 (hg19) VCF-style: chr4-9982330-A-G.
Other names: p.Leu189=; c.480T>C, p.Leu160= (NM_001001290.2).
Identifiers: ClinVar variation 350235 (VCV000350235.20), dbSNP rs13125646, ClinGen allele CA2857173.